The following is an entry in ClinVar:

ClinVar aggregate classification (germline): Uncertain significance (1 of 4 stars; one submission).

gnomAD v4.1: 4 of 1,614,008 alleles (0.00025%); highest among the groups gnomAD compares: Middle Eastern, 0.033%; 1 homozygote.

Submission:

Labcorp Genetics (formerly Invitae), Labcorp
Classification: Uncertain significance. Last evaluated: 2025-03-06. Review status: criteria provided, single submitter. Criteria: Invitae Variant Classification Sherloc (09022015). Collection method: clinical testing. Allele origin: germline.
Comment: This sequence change replaces serine, which is neutral and polar, with arginine, which is basic and polar, at codon 1152 of the SIN3A protein (p.Ser1152Arg). This variant is not present in population databases (gnomAD no frequency). This variant has not been reported in the literature in individuals affected with SIN3A-related conditions. An algorithm developed to predict the effect of missense changes on protein structure and function (PolyPhen-2) suggests that this variant is likely to be tolerated. In summary, the available evidence is currently insufficient to determine the role of this variant in disease. Therefore, it has been classified as a Variant of Uncertain Significance.

NM_001145358.2(SIN3A):c.3456C>A (p.Ser1152Arg)

Gene: SIN3A (SIN3 transcription regulator family member A; minus strand). Cytogenetic location: 15q24.2.
Variant type: single nucleotide variant.
Coding change: c.3456C>A on transcript NM_001145358.2 (MANE Select); coding-DNA position 3456, C replaced by A.
Protein change: p.Ser1152Arg; replaces serine 1152 with arginine.
Molecular consequence: missense variant.
Genome position (GRCh38, 1-based): chr15:75,375,800, G>T on the plus strand (C>A on the coding strand, the complement: SIN3A is on the minus strand). VCF-style: chr15-75375800-G-T. GRCh37 (hg19) VCF-style: chr15-75668141-G-T.
Other names: c.3456C>A, p.Ser1152Arg (NM_001145357.2, NM_015477.3); short protein forms S1152R.
Identifiers: ClinVar variation 3682968 (VCV003682968.2).